The following is an entry in ClinVar:

NM_177438.3(DICER1):c.1683_1685del (p.Ile561del)

Gene: DICER1 (dicer 1, ribonuclease III; minus strand). Cytogenetic location: 14q32.13.
Variant type: Deletion.
Coding change: c.1683_1685del on transcript NM_177438.3 (MANE Select); coding-DNA positions 1683 to 1685, 3 bases deleted (AAT; older notation c.1683_1685delAAT).
Protein change: p.Ile561del; deletes isoleucine 561.
Molecular consequence: inframe deletion. On other transcripts: inframe indel (1), initiator codon variant (1), non-coding transcript variant (6).
Genome position (GRCh38, 1-based): chr14:95,116,520-95,116,522, ATT deleted on the plus strand (AAT on the coding strand, the reverse complement: DICER1 is on the minus strand); deleting any 3 consecutive bases within chr14:95,116,520-95,116,524 gives the same sequence; the c. name uses the placement nearest the transcript's 3' end. VCF-style (leftmost placement, unchanged base first): chr14-95116519-CATT-C. GRCh37 (hg19) VCF-style: chr14-95582856-CATT-C.
Other names: c.1683_1685delAAT (NM_177438.2); c.1683_1685del, p.Ile561del (NM_001195573.1, NM_001271282.3, NM_001291628.2 and 12 more transcripts); c.1681_1683delATA, p.Ile561del (NM_001395681.1); c.1401_1403del, p.Ile467del (NM_001395686.1); c.1278_1280del, p.Ile426del (NM_001395687.1, NM_001395688.1, NM_001395689.1 and 3 more transcripts); c.1116_1118del, p.Ile372del (NM_001395691.1); c.-1_2del, p.Met1del (NM_001395697.1); short protein forms I372del, I426del, I467del, I561del, M1del.
Identifiers: ClinVar variation 3241324 (VCV003241324.2), dbSNP rs2543030190.

ClinVar aggregate classification (germline): Uncertain significance. Review status: criteria provided, multiple submitters, no conflicts (2 of 4 stars). 2 submissions from 2 submitters: Uncertain significance (2). Last evaluated 2026-01-07.

Conditions:
Global developmental delay - lung cysts - overgrowth - Wilms tumor syndrome. Also called: GLOW Syndrome; GLOBAL DEVELOPMENTAL DELAY, LUNG CYSTS, OVERGROWTH, AND WILMS TUMOR. Identifiers: Orphanet 404476, MedGen C4748924, MONDO:0018445, OMIM 618272.
Hereditary cancer-predisposing syndrome. Also called: Tumor predisposition; Hereditary Cancer Syndrome; Hereditary neoplastic syndrome; Neoplastic Syndromes, Hereditary. Identifiers: Orphanet 140162, MedGen C0027672, MeSH D009386, MONDO:0015356.

Submissions (2):

Ambry Genetics
Classification: Uncertain significance for Hereditary cancer-predisposing syndrome. Last evaluated: 2026-01-07. Review status: criteria provided, single submitter. Criteria: Ambry Variant Classification Scheme 2023. Collection method: clinical testing. Allele origin: germline.
Comment: The c.1683_1685delAAT variant (also known as p.I561del) is located in coding exon 9 of the DICER1 gene. This variant results from an in-frame AAT deletion at nucleotide positions 1683 to 1685. This results in the in-frame deletion of an isoleucine at codon 561. This amino acid position is not well conserved in available vertebrate species. In addition, this variant is predicted to be deleterious by in silico analysis (Choi Y et al. PLoS ONE. 2012; 7(10):e46688). Based on the available evidence, the clinical significance of this variant remains unclear.

Baylor Genetics
Classification: Uncertain significance for Global developmental delay - lung cysts - overgrowth - Wilms tumor syndrome. Last evaluated: 2024-02-21. Review status: criteria provided, single submitter. Criteria: ACMG Guidelines, 2015. Collection method: clinical testing. Allele origin: unknown.